The following is an entry in ClinVar:

NM_007325.5(GRIA3):c.1795C>G (p.Pro599Ala)

Gene: GRIA3 (glutamate ionotropic receptor AMPA type subunit 3; plus strand). Cytogenetic location: Xq25.
Variant type: single nucleotide variant.
Coding change: c.1795C>G on transcript NM_007325.5 (MANE Select); coding-DNA position 1795, C replaced by G.
Protein change: p.Pro599Ala; replaces proline 599 with alanine.
Molecular consequence: missense variant.
Genome position (GRCh38, 1-based): chrX:123,417,696, C>G. VCF-style: chrX-123417696-C-G. GRCh37 (hg19) VCF-style: chrX-122551547-C-G.
Other names: c.1795C>G, p.Pro599Ala (NM_000828.5); short protein forms P599A.
Identifiers: ClinVar variation 3522576 (VCV003522576.3).
Genomic context (GRCh38, chrX:123,417,696, plus strand): 5'-TATGAATGGCACTTGGAAGACAACAATGAAGAACCTCGTGACCCACAAAGTCCTCCTGAT[C>G]CTCCAAATGAATTTGGAATATTTAACAGTCTTTGGTTTTCCTTGGGTGCCTTTATGCAGC-3'
Protein context (NP_015564.5, residues 589-609): EPRDPQSPPD[Pro599Ala]PNEFGIFNSL

ClinVar aggregate classification (germline): Uncertain significance. Review status: criteria provided, multiple submitters, no conflicts (2 of 4 stars). 2 submissions from 2 submitters: Uncertain significance (2). Last evaluated 2024-08-26.

Conditions:
Inborn genetic diseases. Identifiers: MedGen C0950123, MeSH D030342.

Submissions (2):

Ambry Genetics
Classification: Uncertain significance for Inborn genetic diseases. Last evaluated: 2024-08-26. Review status: criteria provided, single submitter. Criteria: Ambry Variant Classification Scheme 2023. Collection method: clinical testing. Allele origin: germline.

Labcorp Genetics (formerly Invitae), Labcorp
Classification: Uncertain significance. Last evaluated: 2024-08-11. Review status: criteria provided, single submitter. Criteria: Invitae Variant Classification Sherloc (09022015). Collection method: clinical testing. Allele origin: germline.
Comment: This sequence change replaces proline, which is neutral and non-polar, with alanine, which is neutral and non-polar, at codon 599 of the GRIA3 protein (p.Pro599Ala). This variant is not present in population databases (gnomAD no frequency). This variant has not been reported in the literature in individuals affected with GRIA3-related conditions. Advanced modeling of protein sequence and biophysical properties (such as structural, functional, and spatial information, amino acid conservation, physicochemical variation, residue mobility, and thermodynamic stability) performed at Invitae indicates that this missense variant is not expected to disrupt GRIA3 protein function with a negative predictive value of 80%. In summary, the available evidence is currently insufficient to determine the role of this variant in disease. Therefore, it has been classified as a Variant of Uncertain Significance.